The following is an entry in ClinVar:

NM_002296.4(LBR):c.1503C>A (p.Phe501Leu)

Gene: LBR (lamin B receptor; minus strand). Cytogenetic location: 1q42.12.
Variant type: single nucleotide variant.
Coding change: c.1503C>A on transcript NM_002296.4 (MANE Select); coding-DNA position 1503, C replaced by A.
Protein change: p.Phe501Leu; replaces phenylalanine 501 with leucine.
Molecular consequence: missense variant.
Genome position (GRCh38, 1-based): chr1:225,404,687, G>T on the plus strand (C>A on the coding strand, the complement: LBR is on the minus strand). VCF-style: chr1-225404687-G-T. GRCh37 (hg19) VCF-style: chr1-225592389-G-T.
Other names: c.1503C>A, p.Phe501Leu (NM_194442.3); short protein forms F501L.
Identifiers: ClinVar variation 1318125 (VCV001318125.4), dbSNP rs549177877, ClinGen allele CA1417122.

ClinVar aggregate classification (germline): Conflicting classifications of pathogenicity. Review status: criteria provided, conflicting classifications (1 of 4 stars). 2 submissions from 2 submitters: Uncertain significance (1); Likely benign (1). Last evaluated 2024-10-25.

Allele frequency attached by ClinVar (database versions not stated): gnomAD 0.00008; 1000 Genomes Project 30x 0.00031; 1000 Genomes Project 0.00040; gnomAD exomes 0.00044; ExAC 0.00048.
gnomAD v4.1: 263 of 1,610,358 alleles (0.016%); highest among the groups gnomAD compares: South Asian, 0.26%; no homozygotes.

Submissions (2):

Labcorp Genetics (formerly Invitae), Labcorp
Classification: Likely benign. Last evaluated: 2024-10-25. Review status: criteria provided, single submitter. Criteria: Invitae Variant Classification Sherloc (09022015). Collection method: clinical testing. Allele origin: germline.

GeneDx
Classification: Uncertain significance. Last evaluated: 2020-01-08. Review status: criteria provided, single submitter. Criteria: GeneDx Variant Classification Process June 2021. Collection method: clinical testing. Allele origin: germline. Affected: yes.
Comment: In silico analysis, which includes protein predictors and evolutionary conservation, supports a deleterious effect; Has not been previously published as pathogenic or benign to our knowledge